The following is an entry in ClinVar:

NM_032776.3(JMJD1C):c.3244C>G (p.His1082Asp)

Gene: JMJD1C (jumonji domain containing 1C; minus strand). Cytogenetic location: 10q21.3.
Variant type: single nucleotide variant.
Coding change: c.3244C>G on transcript NM_032776.3 (MANE Select); coding-DNA position 3244, C replaced by G.
Protein change: p.His1082Asp; replaces histidine 1082 with aspartic acid.
Molecular consequence: missense variant. On other transcripts: non-coding transcript variant (1).
Genome position (GRCh38, 1-based): chr10:63,208,425, G>C on the plus strand (C>G on the coding strand, the complement: JMJD1C is on the minus strand). VCF-style: chr10-63208425-G-C. GRCh37 (hg19) VCF-style: chr10-64968185-G-C.
Other names: c.2698C>G, p.His900Asp (NM_001282948.2, NM_001318154.2); c.2380C>G, p.His794Asp (NM_001318153.2); c.3130C>G, p.His1044Asp (NM_001322252.2); c.2587C>G, p.His863Asp (NM_001322254.2, NM_001322258.2); short protein forms H794D, H1082D, H900D, H1044D, H863D.
Identifiers: ClinVar variation 2850768 (VCV002850768.3), dbSNP rs2492695497, ClinGen allele CA377042463.

ClinVar aggregate classification (germline): Uncertain significance (1 of 4 stars; one submission).

Conditions:
Early Myoclonic Encephalopathy. Identifiers: MedGen C0270855.

Submission:

Labcorp Genetics (formerly Invitae), Labcorp
Classification: Uncertain significance for Early Myoclonic Encephalopathy. Last evaluated: 2023-03-29. Review status: criteria provided, single submitter. Criteria: Invitae Variant Classification Sherloc (09022015). Collection method: clinical testing. Allele origin: germline.
Comment: This variant has not been reported in the literature in individuals affected with JMJD1C-related conditions. In summary, the available evidence is currently insufficient to determine the role of this variant in disease. Therefore, it has been classified as a Variant of Uncertain Significance. Advanced modeling of protein sequence and biophysical properties (such as structural, functional, and spatial information, amino acid conservation, physicochemical variation, residue mobility, and thermodynamic stability) has been performed at Invitae for this missense variant, however the output from this modeling did not meet the statistical confidence thresholds required to predict the impact of this variant on JMJD1C protein function. This variant is not present in population databases (gnomAD no frequency). This sequence change replaces histidine, which is basic and polar, with aspartic acid, which is acidic and polar, at codon 1082 of the JMJD1C protein (p.His1082Asp).